The following is an entry in ClinVar:

NM_004260.4(RECQL4):c.2191G>A (p.Gly731Arg)

Gene: RECQL4 (RecQ like helicase 4; minus strand). Cytogenetic location: 8q24.3.
Variant type: single nucleotide variant.
Coding change: c.2191G>A on transcript NM_004260.4 (MANE Select); coding-DNA position 2191, G replaced by A.
Protein change: p.Gly731Arg; replaces glycine 731 with arginine.
Molecular consequence: missense variant.
Genome position (GRCh38, 1-based): chr8:144,513,580, C>T on the plus strand (G>A on the coding strand, the complement: RECQL4 is on the minus strand). VCF-style: chr8-144513580-C-T. GRCh37 (hg19) VCF-style: chr8-145738964-C-T.
Other names: short protein forms G731R.
Identifiers: ClinVar variation 459385 (VCV000459385.7), dbSNP rs1356416510, ClinGen allele CA372679586.

ClinVar aggregate classification (germline): Uncertain significance (1 of 4 stars; one submission).

Conditions:
Baller-Gerold syndrome (BGS). Also called: CRANIOSYNOSTOSIS WITH RADIAL DEFECTS. Identifiers: Orphanet 1225, MedGen C0265308, MONDO:0009039, OMIM 218600.

Allele frequency attached by ClinVar (database versions not stated): gnomAD exomes below 0.00001 and 0.00001; TOPMed 0.00001.

Submission:

Labcorp Genetics (formerly Invitae), Labcorp
Classification: Uncertain significance for Baller-Gerold syndrome. Last evaluated: 2023-10-09. Review status: criteria provided, single submitter. Criteria: Invitae Variant Classification Sherloc (09022015). Collection method: clinical testing. Allele origin: germline.
Comment: This sequence change replaces glycine, which is neutral and non-polar, with arginine, which is basic and polar, at codon 731 of the RECQL4 protein (p.Gly731Arg). The frequency data for this variant in the population databases is considered unreliable, as metrics indicate poor data quality at this position in the gnomAD database. This variant has not been reported in the literature in individuals affected with RECQL4-related conditions. ClinVar contains an entry for this variant (Variation ID: 459385). Advanced modeling of protein sequence and biophysical properties (such as structural, functional, and spatial information, amino acid conservation, physicochemical variation, residue mobility, and thermodynamic stability) performed at Invitae indicates that this missense variant is not expected to disrupt RECQL4 protein function. Algorithms developed to predict the effect of sequence changes on RNA splicing suggest that this variant may create or strengthen a splice site. In summary, the available evidence is currently insufficient to determine the role of this variant in disease. Therefore, it has been classified as a Variant of Uncertain Significance.